The following is an entry in ClinVar:

ClinVar aggregate classification (germline): Likely benign (1 of 4 stars; one submission).

Conditions:
MC4R-related disorder. Also called: MC4R-related condition.

Submission:

PreventionGenetics, part of Exact Sciences
Classification: Likely benign for MC4R-related condition. Last evaluated: 2024-12-04. Review status: criteria provided, single submitter. Criteria: ACMG Guidelines, 2015. Collection method: clinical testing. Allele origin: germline.
Comment: This variant is classified as likely benign based on ACMG/AMP sequence variant interpretation guidelines (Richards et al. 2015 PMID: 25741868, with internal and published modifications).

NM_005912.3(MC4R):c.90C>T (p.Ser30=)

Gene: MC4R (melanocortin 4 receptor; minus strand). Cytogenetic location: 18q21.32.
Variant type: single nucleotide variant.
Coding change: c.90C>T on transcript NM_005912.3 (MANE Select); coding-DNA position 90, C replaced by T.
Protein change: p.Ser30=; no amino-acid change (serine 30 retained).
Molecular consequence: synonymous variant.
Genome position (GRCh38, 1-based): chr18:60,372,260, G>A on the plus strand (C>T on the coding strand, the complement: MC4R is on the minus strand). VCF-style: chr18-60372260-G-A. GRCh37 (hg19) VCF-style: chr18-58039493-G-A.
Identifiers: ClinVar variation 4987384 (VCV004987384.1).
Genomic context (GRCh38, chr18:60,372,260, plus strand): 5'-CACCTCAGGAGAGACAAAAAGTTGCTCGTAGCACCCTCCATCAGAGTAGCCTTTTCCAAG[G>A]GACTCACTGGCATTGCTGTGCAGTCTGTAACTGCTGCGGTTCCAGAGGTGCAGAGAAGTG-3'
Protein context (NP_005903.2, residues 20-40): SYRLHSNASE[Ser30=]LGKGYSDGGC